The following is an entry in ClinVar:

ClinVar aggregate classification (germline): Conflicting classifications of pathogenicity. Review status: criteria provided, conflicting classifications (1 of 4 stars). 3 submissions from 3 submitters: Uncertain significance (2); Likely benign (1). Last evaluated 2025-08-29.

Conditions:
Hereditary cancer-predisposing syndrome. Also called: Hereditary neoplastic syndrome; Neoplastic Syndromes, Hereditary; Tumor predisposition; Hereditary Cancer Syndrome. Identifiers: Orphanet 140162, MedGen C0027672, MeSH D009386, MONDO:0015356.
Bloom syndrome (BLM). Also called: Bloom-Torre-Machacek syndrome. Identifiers: Orphanet 125, MedGen C0005859, MONDO:0008876, OMIM 210900.

Allele frequency attached by ClinVar (database versions not stated): gnomAD exomes below 0.00001; TOPMed 0.00001.
gnomAD v4.1: 1 of 1,614,132 alleles (0.000062%); highest among the groups gnomAD compares: Admixed American, 0.0017%; no homozygotes.

Submissions (3):

Labcorp Genetics (formerly Invitae), Labcorp
Classification: Uncertain significance for Bloom syndrome. Last evaluated: 2025-08-29. Review status: criteria provided, single submitter. Criteria: Invitae Variant Classification Sherloc (09022015). Collection method: clinical testing. Allele origin: germline.
Comment: This sequence change replaces valine, which is neutral and non-polar, with isoleucine, which is neutral and non-polar, at codon 128 of the BLM protein (p.Val128Ile). This variant is present in population databases (no rsID available, gnomAD 0.003%). This variant has not been reported in the literature in individuals affected with BLM-related conditions. ClinVar contains an entry for this variant (Variation ID: 949793). An algorithm developed to predict the effect of missense changes on protein structure and function outputs the following: PolyPhen-2: "Benign". The isoleucine amino acid residue is found in multiple mammalian species, which suggests that this missense change does not adversely affect protein function. In summary, the available evidence is currently insufficient to determine the role of this variant in disease. Therefore, it has been classified as a Variant of Uncertain Significance.

Ambry Genetics
Classification: Likely benign for Hereditary cancer-predisposing syndrome. Last evaluated: 2022-06-12. Review status: criteria provided, single submitter. Criteria: Ambry Variant Classification Scheme 2023. Collection method: clinical testing. Allele origin: germline.

Genetic Services Laboratory, University of Chicago
Classification: Uncertain significance. Last evaluated: 2019-12-04. Review status: criteria provided, single submitter. Criteria: ACMG Guidelines, 2015. Collection method: clinical testing. Allele origin: germline. Affected: no.

NM_000057.4(BLM):c.382G>A (p.Val128Ile)

Gene: BLM (BLM RecQ like helicase; plus strand). Cytogenetic location: 15q26.1.
Variant type: single nucleotide variant.
Coding change: c.382G>A on transcript NM_000057.4 (MANE Select); coding-DNA position 382, G replaced by A.
Protein change: p.Val128Ile; replaces valine 128 with isoleucine.
Molecular consequence: missense variant. On other transcripts: 5 prime UTR variant (1).
Genome position (GRCh38, 1-based): chr15:90,749,650, G>A. VCF-style: chr15-90749650-G-A. GRCh37 (hg19) VCF-style: chr15-91292880-G-A.
Other names: c.382G>A, p.Val128Ile (NM_001287246.2, NM_001287247.2); c.-910G>A (NM_001287248.2); short protein forms V128I.
Identifiers: ClinVar variation 949793 (VCV000949793.14), dbSNP rs1269873284, ClinGen allele CA393840426.